The following is an entry in ClinVar:

ClinVar aggregate classification (germline): Uncertain significance (1 of 4 stars; one submission).

Conditions:
Short-rib thoracic dysplasia 6 with or without polydactyly (SRTD6). Also called: Majewski Syndrome; POLYDACTYLY WITH NEONATAL CHONDRODYSTROPHY, TYPE II; SHORT RIB-POLYDACTYLY SYNDROME, TYPE IIA; SHORT-RIB THORACIC DYSPLASIA 6 WITH POLYDACTYLY; SHORT-RIB THORACIC DYSPLASIA 6 WITHOUT POLYDACTYLY. Identifiers: MedGen C0024507, MONDO:0009894, OMIM 263520.

gnomAD v4.1: 2 of 1,607,176 alleles (0.00012%); highest among the groups gnomAD compares: South Asian, 0.0022%; 1 homozygote.

Submission:

Labcorp Genetics (formerly Invitae), Labcorp
Classification: Uncertain significance for Short-rib thoracic dysplasia 6 with or without polydactyly. Last evaluated: 2023-07-10. Review status: criteria provided, single submitter. Criteria: Invitae Variant Classification Sherloc (09022015). Collection method: clinical testing. Allele origin: germline.
Comment: This sequence change replaces aspartic acid, which is acidic and polar, with glycine, which is neutral and non-polar, at codon 26 of the NEK1 protein (p.Asp26Gly). This variant is present in population databases (rs749503943, gnomAD 0.003%). This variant has not been reported in the literature in individuals affected with NEK1-related conditions. Advanced modeling of protein sequence and biophysical properties (such as structural, functional, and spatial information, amino acid conservation, physicochemical variation, residue mobility, and thermodynamic stability) performed at Invitae indicates that this missense variant is not expected to disrupt NEK1 protein function. In summary, the available evidence is currently insufficient to determine the role of this variant in disease. Therefore, it has been classified as a Variant of Uncertain Significance.

NM_001199397.3(NEK1):c.77A>G (p.Asp26Gly)

Gene: NEK1 (NIMA related kinase 1; minus strand). Cytogenetic location: 4q33.
Variant type: single nucleotide variant.
Coding change: c.77A>G on transcript NM_001199397.3 (MANE Select); coding-DNA position 77, A replaced by G.
Protein change: p.Asp26Gly; replaces aspartic acid 26 with glycine.
Molecular consequence: missense variant. On other transcripts: non-coding transcript variant (2).
Genome position (GRCh38, 1-based): chr4:169,602,554, T>C on the plus strand (A>G on the coding strand, the complement: NEK1 is on the minus strand). VCF-style: chr4-169602554-T-C. GRCh37 (hg19) VCF-style: chr4-170523705-T-C.
Other names: c.77A>G, p.Asp26Gly (NM_001199398.3, NM_001199399.3, NM_001199400.3 and 7 more transcripts); short protein forms D26G.
Identifiers: ClinVar variation 3015566 (VCV003015566.3), dbSNP rs749503943, ClinGen allele CA3138127.